The following is an entry in ClinVar:

NM_138694.4(PKHD1):c.7973T>A (p.Leu2658Ter)

Gene: PKHD1 (PKHD1 ciliary IPT domain containing fibrocystin/polyductin; minus strand). Cytogenetic location: 6p12.2.
Variant type: single nucleotide variant.
Coding change: c.7973T>A on transcript NM_138694.4 (MANE Select); coding-DNA position 7973, T replaced by A.
Protein change: p.Leu2658Ter; replaces leucine 2658 with a stop codon.
Molecular consequence: nonsense.
Genome position (GRCh38, 1-based): chr6:51,847,909, A>T on the plus strand (T>A on the coding strand, the complement: PKHD1 is on the minus strand). VCF-style: chr6-51847909-A-T. GRCh37 (hg19) VCF-style: chr6-51712707-A-T.
Other names: c.7973T>A, p.Leu2658Ter (NM_170724.3); short protein forms L2658*.
Identifiers: ClinVar variation 950200 (VCV000950200.13), dbSNP rs1482563973, ClinGen allele CA364429285.

ClinVar aggregate classification (germline): Pathogenic. Review status: criteria provided, single submitter (1 of 4 stars). 2 submissions from 2 submitters: Pathogenic (1). 1 of the submissions does not count toward it. Last evaluated 2021-10-03.

Conditions:
Autosomal recessive polycystic kidney disease (ARPKD). Also called: AR polycystic kidney disease. Identifiers: Orphanet 731, Orphanet 8378, MedGen C0085548, MeSH D017044, MONDO:0009889.

Allele frequency attached by ClinVar (database versions not stated): TOPMed 0.00001.

Submissions (2):

Labcorp Genetics (formerly Invitae), Labcorp
Classification: Pathogenic for Autosomal recessive polycystic kidney disease. Last evaluated: 2021-10-03. Review status: criteria provided, single submitter. Criteria: Invitae Variant Classification Sherloc (09022015). Collection method: clinical testing. Allele origin: germline.
Comment: For these reasons, this variant has been classified as Pathogenic. This premature translational stop signal has been observed in individual(s) with polycystic kidney disease (PMID: 25124979). This variant is not present in population databases (ExAC no frequency). This sequence change creates a premature translational stop signal (p.Leu2658*) in the PKHD1 gene. It is expected to result in an absent or disrupted protein product. Loss-of-function variants in PKHD1 are known to be pathogenic (PMID: 19940839).

Natera, Inc.
Classification: Pathogenic for Autosomal recessive polycystic kidney disease. Last evaluated: 2020-03-30. Review status: no assertion criteria provided. Collection method: clinical testing. Allele origin: germline. Not counted in ClinVar's aggregate classification.

Literature cited by the submitters: PubMed 25124979 (cited by Labcorp Genetics (formerly Invitae), Labcorp); PubMed 19940839 (cited by Labcorp Genetics (formerly Invitae), Labcorp).